The following is an entry in ClinVar:

NM_001267550.2(TTN):c.53546T>C (p.Val17849Ala)

Genes: TTN (titin; minus strand), TTN-AS1 (TTN antisense RNA 1; plus strand). Cytogenetic location: 2q31.2.
Variant type: single nucleotide variant.
Coding change: c.53546T>C on transcript NM_001267550.2 (MANE Select); coding-DNA position 53546, T replaced by C.
Protein change: p.Val17849Ala; replaces valine 17849 with alanine.
Molecular consequence: missense variant.
Genome position (GRCh38, 1-based): chr2:178,607,056, A>G on the plus strand (T>C on the coding strand, the complement: TTN is on the minus strand). VCF-style: chr2-178607056-A-G. GRCh37 (hg19) VCF-style: chr2-179471783-A-G.
Other names: c.48623T>C, p.Val16208Ala (NM_001256850.1); c.26351T>C, p.Val8784Ala (NM_003319.4); c.45842T>C, p.Val15281Ala (NM_133378.4); c.26726T>C, p.Val8909Ala (NM_133432.3); c.26927T>C, p.Val8976Ala (NM_133437.4); short protein forms V17849A, V8909A, V8784A, V15281A, V16208A, V8976A.
Identifiers: ClinVar variation 1794103 (VCV001794103.2), dbSNP rs2470272080, ClinGen allele CA349563294.

ClinVar aggregate classification (germline): Uncertain significance (1 of 4 stars; one submission).

Conditions:
Cardiovascular phenotype. Identifiers: MedGen CN230736.

Allele frequency attached by ClinVar (database versions not stated): gnomAD exomes below 0.00001.
gnomAD v4.1: 1 of 1,611,812 alleles (0.000062%); highest among the groups gnomAD compares: African/African-American, 0.0013%; no homozygotes.

Submission:

Ambry Genetics
Classification: Uncertain significance for Cardiovascular phenotype. Last evaluated: 2019-09-19. Review status: criteria provided, single submitter. Criteria: Ambry Variant Classification Scheme 2023. Collection method: clinical testing. Allele origin: germline.
Comment: The p.V8784A variant (also known as c.26351T>C), located in coding exon 105 of the TTN gene, results from a T to C substitution at nucleotide position 26351. The valine at codon 8784 is replaced by alanine, an amino acid with similar properties. This amino acid position is well conserved in available vertebrate species; however, alanine is the reference amino acid in other vertebrate species. In addition, this alteration is predicted to be tolerated by in silico analysis. Since supporting evidence is limited at this time, the clinical significance of this alteration remains unclear.